The following is an entry in ClinVar:

NM_007098.4(CLTCL1):c.1336C>G (p.Gln446Glu)

Genes: CLTCL1 (clathrin heavy chain like 1; minus strand), LOC126863097 (BRD4-independent group 4 enhancer GRCh37_chr22:19220751-19221950; plus strand). Cytogenetic location: 22q11.21.
Variant type: single nucleotide variant.
Coding change: c.1336C>G on transcript NM_007098.4 (MANE Select); coding-DNA position 1336, C replaced by G.
Protein change: p.Gln446Glu; replaces glutamine 446 with glutamic acid.
Molecular consequence: missense variant.
Genome position (GRCh38, 1-based): chr22:19,233,454, G>C on the plus strand (C>G on the coding strand, the complement: CLTCL1 is on the minus strand). VCF-style: chr22-19233454-G-C. GRCh37 (hg19) VCF-style: chr22-19220977-G-C.
Other names: p.Gln446Glu; c.1336C>G, p.Gln446Glu (NM_001835.4); short protein forms Q446E.
Identifiers: ClinVar variation 3380692 (VCV003380692.1).

ClinVar aggregate classification (germline): Uncertain significance (1 of 4 stars; one submission).

Submission:

Mayo Clinic Laboratories, Mayo Clinic
Classification: Uncertain significance. Last evaluated: 2024-06-20. Review status: criteria provided, single submitter. Criteria: ACMG Guidelines, 2015. Collection method: clinical testing. Allele origin: germline. Observed: 1 variant allele.
Comment: BP4